The following is an entry in ClinVar:

ClinVar aggregate classification (germline): Uncertain significance. Review status: criteria provided, multiple submitters, no conflicts (2 of 4 stars). 2 submissions from 2 submitters: Uncertain significance (2). Last evaluated 2025-03-23.

Conditions:
Cardiovascular phenotype. Identifiers: MedGen CN230736.

Allele frequency attached by ClinVar (database versions not stated): gnomAD exomes 0.00004 and 0.00006; 1000 Genomes Project 30x 0.00016; TOPMed 0.00001; 1000 Genomes Project 0.00020; gnomAD 0.00002; ExAC 0.00027.
gnomAD v4.1: 57 of 1,549,346 alleles (0.0037%); highest among the groups gnomAD compares: South Asian, 0.05%; no homozygotes.

Submissions (2):

Ambry Genetics
Classification: Uncertain significance for Cardiovascular phenotype. Last evaluated: 2025-03-23. Review status: criteria provided, single submitter. Criteria: Ambry Variant Classification Scheme 2023. Collection method: clinical testing. Allele origin: germline.

GeneDx
Classification: Uncertain significance. Last evaluated: 2022-09-14. Review status: criteria provided, single submitter. Criteria: GeneDx Variant Classification Process June 2021. Collection method: clinical testing. Allele origin: germline. Affected: yes.
Comment: In silico analysis supports that this missense variant does not alter protein structure/function; Has not been previously published as pathogenic or benign to our knowledge

NM_001365276.2(TNXB):c.2326G>A (p.Val776Met)

Gene: TNXB (tenascin XB; minus strand). Cytogenetic location: 6p21.33.
Variant type: single nucleotide variant.
Coding change: c.2326G>A on transcript NM_001365276.2 (MANE Select); coding-DNA position 2326, G replaced by A.
Protein change: p.Val776Met; replaces valine 776 with methionine.
Molecular consequence: missense variant.
Genome position (GRCh38, 1-based): chr6:32,095,108, C>T on the plus strand (G>A on the coding strand, the complement: TNXB is on the minus strand). VCF-style: chr6-32095108-C-T. GRCh37 (hg19) VCF-style: chr6-32062885-C-T.
Other names: c.2326G>A, p.Val776Met (NM_019105.8); short protein forms V776M.
Identifiers: ClinVar variation 1305472 (VCV001305472.7), dbSNP rs527606803, ClinGen allele CA3735527.
Genomic context (GRCh38, chr6:32,095,108, plus strand): 5'-CCCTCCTGGAGCCTGGCATCTCTCTCACCGTGGGGATGAACTGAATTTCATAGGCATCCA[C>T]GGGGCCAGGAGCCGGGGTCCACTCTGTCCGAACTGTTGTCTCCTCCAAGAGATGCATCCT-3'
Protein context (NP_001352205.1, residues 766-786): RTEWTPAPGP[Val776Met]DAYEIQFIPT